The following is an entry in ClinVar:

ClinVar aggregate classification (germline): Uncertain significance (1 of 4 stars; one submission).

Conditions:
LAMA2-related muscular dystrophy (LAMA2-RD). Also called: Laminin alpha 2-related dystrophy. Identifiers: MedGen C5679788, MONDO:0100228.

Submission:

Labcorp Genetics (formerly Invitae), Labcorp
Classification: Uncertain significance for LAMA2-related muscular dystrophy. Last evaluated: 2021-09-01. Review status: criteria provided, single submitter. Criteria: Invitae Variant Classification Sherloc (09022015). Collection method: clinical testing. Allele origin: germline.
Comment: In summary, the available evidence is currently insufficient to determine the role of this variant in disease. Therefore, it has been classified as a Variant of Uncertain Significance. Algorithms developed to predict the effect of sequence changes on RNA splicing suggest that this variant may create or strengthen a splice site. Advanced modeling of protein sequence and biophysical properties (such as structural, functional, and spatial information, amino acid conservation, physicochemical variation, residue mobility, and thermodynamic stability) performed at Invitae indicates that this missense variant is not expected to disrupt LAMA2 protein function. This variant has not been reported in the literature in individuals affected with LAMA2-related conditions. This variant is not present in population databases (ExAC no frequency). This sequence change replaces valine with glycine at codon 2745 of the LAMA2 protein (p.Val2745Gly). The valine residue is weakly conserved and there is a moderate physicochemical difference between valine and glycine.

NM_000426.4(LAMA2):c.8234T>G (p.Val2745Gly)

Gene: LAMA2 (laminin subunit alpha 2; plus strand). Cytogenetic location: 6q22.33.
Variant type: single nucleotide variant.
Coding change: c.8234T>G on transcript NM_000426.4 (MANE Select); coding-DNA position 8234, T replaced by G.
Protein change: p.Val2745Gly; replaces valine 2745 with glycine.
Molecular consequence: missense variant.
Genome position (GRCh38, 1-based): chr6:129,492,473, T>G. VCF-style: chr6-129492473-T-G. GRCh37 (hg19) VCF-style: chr6-129813618-T-G.
Other names: c.8222T>G, p.Val2741Gly (NM_001079823.2); short protein forms V2741G, V2745G.
Identifiers: ClinVar variation 1439955 (VCV001439955.6), dbSNP rs2114861028, ClinGen allele CA365632457.
Genomic context (GRCh38, chr6:129,492,473, plus strand): 5'-CTGAAATAGTTATCCAGCCTGAGCCAGTTCCCACCCCAGCCTTTCCTACGCCCACCCCAG[T>G]TCTGACACATGTAAGTGTTTATATTATCCCCATTGCTTTCTAATTTTTACCCAGTATTCT-3'
Protein context (NP_000417.3, residues 2735-2755): PTPAFPTPTP[Val2745Gly]LTHGPCAAES